The following is an entry in ClinVar:

ClinVar aggregate classification (germline): Conflicting classifications of pathogenicity. Review status: criteria provided, conflicting classifications (1 of 4 stars). 3 submissions from 3 submitters: Uncertain significance (1); Likely benign (1). 1 of the submissions does not count toward it. Last evaluated 2025-03-17.

Conditions:
NEK1-related disorder. Also called: NEK1-related condition.
Short-rib thoracic dysplasia 6 with or without polydactyly (SRTD6). Also called: Majewski Syndrome; POLYDACTYLY WITH NEONATAL CHONDRODYSTROPHY, TYPE II; SHORT RIB-POLYDACTYLY SYNDROME, TYPE IIA; SHORT-RIB THORACIC DYSPLASIA 6 WITH POLYDACTYLY; SHORT-RIB THORACIC DYSPLASIA 6 WITHOUT POLYDACTYLY. Identifiers: MedGen C0024507, MONDO:0009894, OMIM 263520.

Allele frequency attached by ClinVar (database versions not stated): gnomAD 0.00003 and 0.00004; ExAC 0.00005; gnomAD exomes 0.00006; TOPMed 0.00006.
gnomAD v4.1: 48 of 1,473,210 alleles (0.0033%); highest among the groups gnomAD compares: Admixed American, 0.017%; no homozygotes.

Submissions (3):

Labcorp Genetics (formerly Invitae), Labcorp
Classification: Likely benign for Short-rib thoracic dysplasia 6 with or without polydactyly. Last evaluated: 2025-03-17. Review status: criteria provided, single submitter. Criteria: Invitae Variant Classification Sherloc (09022015). Collection method: clinical testing. Allele origin: germline.

Illumina Laboratory Services, Illumina
Classification: Uncertain significance for Short-rib thoracic dysplasia 6 with or without polydactyly. Last evaluated: 2018-01-13. Review status: criteria provided, single submitter. Criteria: ICSL Variant Classification Criteria 13 December 2019. Collection method: clinical testing. Allele origin: germline.

PreventionGenetics, part of Exact Sciences
Classification: Likely benign for NEK1-related condition. Last evaluated: 2024-01-30. Review status: no assertion criteria provided. Collection method: clinical testing. Allele origin: germline. Not counted in ClinVar's aggregate classification.
Comment: This variant is classified as likely benign based on ACMG/AMP sequence variant interpretation guidelines (Richards et al. 2015 PMID: 25741868, with internal and published modifications).

NM_001199397.3(NEK1):c.3715-6G>C

Gene: NEK1 (NIMA related kinase 1; minus strand). Cytogenetic location: 4q33.
Variant type: single nucleotide variant.
Coding change: c.3715-6G>C on transcript NM_001199397.3 (MANE Select); 6 bases into the intron before coding-DNA position 3715, G replaced by C.
Molecular consequence: intron variant.
Genome position (GRCh38, 1-based): chr4:169,400,363, C>G on the plus strand (G>C on the coding strand, the complement: NEK1 is on the minus strand). VCF-style: chr4-169400363-C-G. GRCh37 (hg19) VCF-style: chr4-170321514-C-G.
Other names: c.3232-6G>C (NM_001374421.1); c.3580-6G>C (NM_001374420.1); c.3424-6G>C (NM_001199399.3); c.3583-6G>C (NM_001199398.3); c.3631-6G>C (NM_001374419.1, NM_012224.4); c.3499-6G>C (NM_001199400.3); c.3715-6G>C (NM_001374418.1).
Identifiers: ClinVar variation 902284 (VCV000902284.15), dbSNP rs771507979, ClinGen allele CA3137094.
Genomic context (GRCh38, chr4:169,400,363, plus strand): 5'-TTTGAACTATTTTTGAACAAATTTCAATATTTTCATCTTCATCTTCATGAATAGCCTATA[C>G]CAAATTCCCAAATATAAATTAATATTTGAATAACTTTCTGTAATTGCAGACTTCACTTTT-3'